The following is an entry in ClinVar:

ClinVar aggregate classification (germline): Conflicting classifications of pathogenicity. Review status: criteria provided, conflicting classifications (1 of 4 stars). 9 submissions from 8 submitters: Uncertain significance (1); Benign (1); Likely benign (7). Last evaluated 2025-11-22.

Conditions:
RYR1-related disorder. Also called: RYR1-related disorders; RYR1-related condition. Identifiers: MedGen CN239331.
Congenital multicore myopathy with external ophthalmoplegia (CMYO1B). Also called: MULTIMINICORE DISEASE WITH EXTERNAL OPHTHALMOPLEGIA; MULTICORE MYOPATHY; Minicore myopathy with external ophthalmoplegia; Congenital myopathy 1B, autosomal recessive; Minicore myopathy. Identifiers: Orphanet 598, Orphanet 98905, MedGen C1850674, MONDO:0009712, OMIM 255320, HP:0003789.
Malignant hyperthermia, susceptibility to, 1 (MHS1). Also called: Anesthesia related hyperthermia; Malignant hyperpyrexia; Fulminating hyperpyrexia; Pharmacogenic myopathy; RYR1-Related Malignant Hyperthermia Susceptibility; Malignant hyperthermia suceptibility 1. Identifiers: Orphanet 423, MedGen C2930980, MONDO:0007783, OMIM 145600.

Allele frequency attached by ClinVar (database versions not stated): gnomAD 0.00003; ESP Exome Variant Server 0.00008; TOPMed 0.00029; 1000 Genomes Project 30x 0.00031; 1000 Genomes Project 0.00040.
gnomAD v4.1: 389 of 1,613,930 alleles (0.024%); highest among the groups gnomAD compares: Middle Eastern, 0.33%; 4 homozygotes.

Submissions (9):

Labcorp Genetics (formerly Invitae), Labcorp
Classification: Benign for RYR1-related disorder. Last evaluated: 2025-11-22. Review status: criteria provided, single submitter. Criteria: Invitae Variant Classification Sherloc (09022015). Collection method: clinical testing. Allele origin: germline.

CeGaT Center for Human Genetics Tuebingen
Classification: Likely benign. Last evaluated: 2025-09-01. Review status: criteria provided, single submitter. Criteria: CeGaT Center For Human Genetics Tuebingen Variant Classification Criteria Version 2. Collection method: clinical testing. Allele origin: germline. Affected: yes. Observed: 8 variant alleles.
Comment: RYR1: BP4, BP7

Blueprint Genetics
Classification: Likely benign. Last evaluated: 2024-09-30. Review status: criteria provided, single submitter. Criteria: ACMG Guidelines, 2015. Collection method: clinical testing. Allele origin: germline.

All of Us Research Program, National Institutes of Health
Classification: Likely benign for Malignant hyperthermia, susceptibility to, 1. Last evaluated: 2024-01-11. Review status: criteria provided, single submitter. Criteria: ACMG Guidelines, 2015. Collection method: clinical testing. Allele origin: germline. Inheritance: Autosomal dominant inheritance. Observed: 29 variant alleles, 29 heterozygotes.
Comment: This study involves interpretation of variants in research participants for the purpose of population health screening. Participant phenotype was not available at the time of variant classification. Additional details can be found in publication PMID: 35346344, PMCID: PMC8962531

Color Diagnostics, LLC DBA Color Health
Classification: Likely benign for Malignant hyperthermia, susceptibility to, 1. Last evaluated: 2022-04-29. Review status: criteria provided, single submitter. Criteria: ACMG Guidelines, 2015. Collection method: clinical testing. Allele origin: germline.

GeneDx
Classification: Likely benign. Last evaluated: 2020-10-12. Review status: criteria provided, single submitter. Criteria: GeneDx Variant Classification Process June 2021. Collection method: clinical testing. Allele origin: germline. Affected: yes.

Illumina Laboratory Services, Illumina
Classification: Uncertain significance for Congenital multicore myopathy with external ophthalmoplegia. Last evaluated: 2018-01-13. Review status: criteria provided, single submitter. Criteria: ICSL Variant Classification Criteria 13 December 2019. Collection method: clinical testing. Allele origin: germline.

Illumina Laboratory Services, Illumina
Classification: Likely benign for Malignant hyperthermia, susceptibility to, 1. Last evaluated: 2018-01-13. Review status: criteria provided, single submitter. Criteria: ICSL Variant Classification Criteria 13 December 2019. Collection method: clinical testing. Allele origin: germline.
Comment: This variant was observed in the ICSL laboratory as part of a predisposition screen in an ostensibly healthy population. It had not been previously curated by ICSL or reported in the Human Gene Mutation Database (HGMD: prior to June 1st, 2018), and was therefore a candidate for classification through an automated scoring system. Utilizing variant allele frequency, disease prevalence and penetrance estimates, and inheritance mode, an automated score was calculated to assess if this variant is too frequent to cause the disease. Based on the score and internal cut-off values, a variant classified as likely benign is not then subjected to further curation. The score for this variant resulted in a classification of likely benign for this disease.

PreventionGenetics, part of Exact Sciences
Classification: Likely benign. Review status: criteria provided, single submitter. Criteria: ACMG Guidelines, 2015. Collection method: clinical testing. Allele origin: germline.

NM_000540.3(RYR1):c.10578G>A (p.Ala3526=)

Gene: RYR1 (ryanodine receptor 1; plus strand). Cytogenetic location: 19q13.2.
Variant type: single nucleotide variant.
Coding change: c.10578G>A on transcript NM_000540.3 (MANE Select); coding-DNA position 10578, G replaced by A.
Protein change: p.Ala3526=; no amino-acid change (alanine 3526 retained).
Molecular consequence: synonymous variant.
Genome position (GRCh38, 1-based): chr19:38,525,454, G>A. VCF-style: chr19-38525454-G-A. GRCh37 (hg19) VCF-style: chr19-39016094-G-A.
Other names: c.10563G>A, p.Ala3521= (NM_001042723.2).
Identifiers: ClinVar variation 256391 (VCV000256391.50), dbSNP rs368360689, ClinGen allele CA054019.